The following is an entry in ClinVar:

NM_004519.4(KCNQ3):c.40G>A (p.Gly14Ser)

Gene: KCNQ3 (potassium voltage-gated channel subfamily Q member 3; minus strand). Cytogenetic location: 8q24.22.
Variant type: single nucleotide variant.
Coding change: c.40G>A on transcript NM_004519.4 (MANE Select); coding-DNA position 40, G replaced by A.
Protein change: p.Gly14Ser; replaces glycine 14 with serine.
Molecular consequence: missense variant.
Genome position (GRCh38, 1-based): chr8:132,480,493, C>T on the plus strand (G>A on the coding strand, the complement: KCNQ3 is on the minus strand). VCF-style: chr8-132480493-C-T. GRCh37 (hg19) VCF-style: chr8-133492740-C-T.
Other names: short protein forms G14S.
Identifiers: ClinVar variation 1699549 (VCV001699549.2), dbSNP rs1357758074, ClinGen allele CA372293017.

ClinVar aggregate classification (germline): Uncertain significance (1 of 4 stars; one submission).

Submission:

GeneDx
Classification: Uncertain significance. Last evaluated: 2022-01-26. Review status: criteria provided, single submitter. Criteria: GeneDx Variant Classification Process June 2021. Collection method: clinical testing. Allele origin: germline. Affected: yes.
Comment: Not observed at significant frequency in large population cohorts (gnomAD); In silico analysis supports that this missense variant does not alter protein structure/function; Has not been previously published as pathogenic or benign to our knowledge